The following is an entry in ClinVar:

NM_000285.4(PEPD):c.725C>T (p.Thr242Ile)

Gene: PEPD (peptidase D; minus strand). Cytogenetic location: 19q13.11.
Variant type: single nucleotide variant.
Coding change: c.725C>T on transcript NM_000285.4 (MANE Select); coding-DNA position 725, C replaced by T.
Protein change: p.Thr242Ile; replaces threonine 242 with isoleucine.
Molecular consequence: missense variant.
Genome position (GRCh38, 1-based): chr19:33,413,590, G>A on the plus strand (C>T on the coding strand, the complement: PEPD is on the minus strand). VCF-style: chr19-33413590-G-A. GRCh37 (hg19) VCF-style: chr19-33904496-G-A.
Other names: c.602C>T, p.Thr201Ile (NM_001166056.2); c.533C>T, p.Thr178Ile (NM_001166057.2); short protein forms T242I, T178I, T201I.
Identifiers: ClinVar variation 1399346 (VCV001399346.3), dbSNP rs1364736548, ClinGen allele CA405222187.
Genomic context (GRCh38, chr19:33,413,590, plus strand): 5'-TCCTCCCACTGGTCACCCCCAGGGGAGCCAGGGTGCCCCGCTTACCTGCCGCAGATGCAG[G>A]TGTAGGAGCTGTGGCGCATGCCGCCCCGGGAGTAGCAGTAGTGCTCGAAGAGGCTGCAGG-3'
Protein context (NP_000276.2, residues 232-252): SRGGMRHSSY[Thr242Ile]CICGSGENSA

ClinVar aggregate classification (germline): Uncertain significance (1 of 4 stars; one submission).

gnomAD v4.1: 8 of 1,580,354 alleles (0.00051%); highest among the groups gnomAD compares: Non-Finnish European, 0.0006%; no homozygotes.

Submission:

Labcorp Genetics (formerly Invitae), Labcorp
Classification: Uncertain significance. Last evaluated: 2021-11-27. Review status: criteria provided, single submitter. Criteria: Invitae Variant Classification Sherloc (09022015). Collection method: clinical testing. Allele origin: germline.
Comment: This sequence change replaces threonine, which is neutral and polar, with isoleucine, which is neutral and non-polar, at codon 242 of the PEPD protein (p.Thr242Ile). This variant is present in population databases (no rsID available, gnomAD 0.007%). This variant has not been reported in the literature in individuals affected with PEPD-related conditions. Algorithms developed to predict the effect of missense changes on protein structure and function are either unavailable or do not agree on the potential impact of this missense change (SIFT: "Deleterious"; PolyPhen-2: "Benign"; Align-GVGD: "Class C15"). In summary, the available evidence is currently insufficient to determine the role of this variant in disease. Therefore, it has been classified as a Variant of Uncertain Significance.